The following is an entry in ClinVar:

ClinVar aggregate classification (germline): Conflicting classifications of pathogenicity. Review status: criteria provided, conflicting classifications (1 of 4 stars). 7 submissions from 3 submitters: Uncertain significance (1); Benign (4); Likely benign (1). 1 of the submissions does not count toward it. Last evaluated 2025-12-15.

Conditions:
Congenital myasthenic syndrome 16. Identifiers: Orphanet 590, MedGen C3280112, MONDO:0013620, OMIM 614198.
Paramyotonia congenita of Von Eulenburg. Also called: PARALYSIS PERIODICA PARAMYOTONICA; Eulenburg disease; Myotonia congenita intermittens; Von Eulenburg paramyotonia congenita; Paramyotonia Congenita. Identifiers: Orphanet 684, MedGen C0221055, MONDO:0008195, OMIM 168300. Disease mechanism: loss of function.
Hyperkalemic periodic paralysis. Also called: Familial hyperkalemic periodic paralysis; Gamstorp disease. Identifiers: Orphanet 682, MedGen C0238357, MONDO:0008224, OMIM 170500, HP:0007215.
Hypokalemic periodic paralysis, type 2 (HOKPP2). Identifiers: Orphanet 681, MedGen C2750061, MONDO:0013234, OMIM 613345.
Potassium-aggravated myotonia. Also called: MYOTONIA CONGENITA, ACETAZOLAMIDE-RESPONSIVE; MYOTONIA CONGENITA, ATYPICAL; SODIUM CHANNEL MUSCLE DISEASE; Myotonia congenita, atypical, acetazolamide-responsive. Identifiers: Orphanet 612, Orphanet 99734, Orphanet 99735, Orphanet 99736, MedGen C2931826, MONDO:0018959, OMIM 608390.
Microcephaly. Also called: Microcephaly (disease). Identifiers: MedGen C4551563, MONDO:0001149, HP:0000252.

Allele frequency attached by ClinVar (database versions not stated): 1000 Genomes Project 30x 0.00141; 1000 Genomes Project 0.00180.

Submissions (7):

Labcorp Genetics (formerly Invitae), Labcorp
Classification: Likely benign for Hyperkalemic periodic paralysis. Last evaluated: 2025-12-15. Review status: criteria provided, single submitter. Criteria: Invitae Variant Classification Sherloc (09022015). Collection method: clinical testing. Allele origin: germline.

Illumina Laboratory Services, Illumina
Classification: Benign for Hyperkalemic periodic paralysis. Last evaluated: 2018-01-13. Review status: criteria provided, single submitter. Criteria: ICSL Variant Classification Criteria 13 December 2019. Collection method: clinical testing. Allele origin: germline.
Comment: This variant was observed in the ICSL laboratory as part of a predisposition screen in an ostensibly healthy population. It had not been previously curated by ICSL or reported in the Human Gene Mutation Database (HGMD: prior to June 1st, 2018), and was therefore a candidate for classification through an automated scoring system. Utilizing variant allele frequency, disease prevalence and penetrance estimates, and inheritance mode, an automated score was calculated to assess if this variant is too frequent to cause the disease. Based on the score and internal cut-off values, a variant classified as benign is not then subjected to further curation. The score for this variant resulted in a classification of benign for this disease.

Illumina Laboratory Services, Illumina
Classification: Benign for Potassium-aggravated myotonia. Last evaluated: 2018-01-13. Review status: criteria provided, single submitter. Criteria: ICSL Variant Classification Criteria 13 December 2019. Collection method: clinical testing. Allele origin: germline.
Comment: the same text as in the submission from Illumina Laboratory Services, Illumina above.

Illumina Laboratory Services, Illumina
Classification: Benign for Paramyotonia congenita of Von Eulenburg. Last evaluated: 2018-01-13. Review status: criteria provided, single submitter. Criteria: ICSL Variant Classification Criteria 13 December 2019. Collection method: clinical testing. Allele origin: germline.
Comment: the same text as in the submission from Illumina Laboratory Services, Illumina above.

Illumina Laboratory Services, Illumina
Classification: Benign for Hypokalemic periodic paralysis, type 2. Last evaluated: 2018-01-13. Review status: criteria provided, single submitter. Criteria: ICSL Variant Classification Criteria 13 December 2019. Collection method: clinical testing. Allele origin: germline.
Comment: the same text as in the submission from Illumina Laboratory Services, Illumina above.

Illumina Laboratory Services, Illumina
Classification: Uncertain significance for Congenital myasthenic syndrome 16. Last evaluated: 2018-01-13. Review status: criteria provided, single submitter. Criteria: ICSL Variant Classification Criteria 13 December 2019. Collection method: clinical testing. Allele origin: germline.

Department of Pediatrics, Samsung Medical Center, Samsung Medical Center
Classification: Uncertain significance for Microcephaly. Review status: no assertion criteria provided. Criteria: ACMG Guidelines, 2015. Collection method: research. Allele origin: germline. Affected: yes. Not counted in ClinVar's aggregate classification.

NM_000334.4(SCN4A):c.52C>T (p.Arg18Cys)

Gene: SCN4A (sodium voltage-gated channel alpha subunit 4; minus strand). Cytogenetic location: 17q23.3.
Variant type: single nucleotide variant.
Coding change: c.52C>T on transcript NM_000334.4 (MANE Select); coding-DNA position 52, C replaced by T.
Protein change: p.Arg18Cys; replaces arginine 18 with cysteine.
Molecular consequence: missense variant.
Genome position (GRCh38, 1-based): chr17:63,972,790, G>A on the plus strand (C>T on the coding strand, the complement: SCN4A is on the minus strand). VCF-style: chr17-63972790-G-A. GRCh37 (hg19) VCF-style: chr17-62050150-G-A.
Other names: short protein forms R18C.
Identifiers: ClinVar variation 767055 (VCV000767055.15), dbSNP rs78592515, ClinGen allele CA8710301.
Genomic context (GRCh38, chr17:63,972,790, plus strand): 5'-GGGCCTCCTCCTCCACCGCCCGCTGTTCTATGGCTGCCAGTGACTCCCGGGTGAAGGGGC[G>A]CAAGCACTCAGGGCCCAGAGGCACCAGGGTGCACAGAGATGGTCTGGCCATCCTCGCATC-3'
Protein context (NP_000325.4, residues 8-28): TLVPLGPECL[Arg18Cys]PFTRESLAAI